The following is an entry in ClinVar:

NM_016532.4(INPP5K):c.419G>A (p.Gly140Asp)

Gene: INPP5K (inositol polyphosphate-5-phosphatase K; minus strand). Cytogenetic location: 17p13.3.
Variant type: single nucleotide variant.
Coding change: c.419G>A on transcript NM_016532.4 (MANE Select); coding-DNA position 419, G replaced by A.
Protein change: p.Gly140Asp; replaces glycine 140 with aspartic acid.
Molecular consequence: missense variant.
Genome position (GRCh38, 1-based): chr17:1,509,313, C>T on the plus strand (G>A on the coding strand, the complement: INPP5K is on the minus strand). VCF-style: chr17-1509313-C-T. GRCh37 (hg19) VCF-style: chr17-1412607-C-T.
Other names: c.191G>A, p.Gly64Asp (NM_001135642.2, NM_130766.3); short protein forms G140D, G64D.
Identifiers: ClinVar variation 1333698 (VCV001333698.1), dbSNP rs2150989792, ClinGen allele CA397545841.

ClinVar aggregate classification (germline): Uncertain significance (1 of 4 stars; one submission).

Conditions:
Muscular dystrophy, congenital, with cataracts and impaired intellectual development. Also called: Congenital muscular dystrophy with cataracts and intellectual disability. Identifiers: Orphanet 662184, MedGen C4479410, MONDO:0024607, OMIM 617404.

Submission:

3billion
Classification: Uncertain significance for Muscular dystrophy, congenital, with cataracts and impaired intellectual development. Last evaluated: 2022-01-03. Review status: criteria provided, single submitter. Criteria: ACMG Guidelines, 2015. Collection method: clinical testing. Allele origin: germline. Affected: yes. Observed: 1 heterozygote.
Comment: A different missense change at the same codon has been reported to be associated with INPP5K related disorder (ClinVar ID: VCV000417783, PMID:28190459, PM5_P). It is not observed in the gnomAD v2.1.1 dataset (PM2_M). In silico tool predictions suggest damaging effect of the variant on gene or gene product (REVEL: 0.943, PP3_P). Therefore, this variant is classified as uncertain significance according to the recommendation of ACMG/AMP guideline.

Literature cited by the submitters: PubMed 28190459.